The following is an entry in ClinVar:

ClinVar aggregate classification (germline): Likely benign (1 of 4 stars; one submission).

Allele frequency attached by ClinVar (database versions not stated): gnomAD exomes 0.00001; TOPMed below 0.00001; gnomAD 0.00001.

Submission:

Laboratory for Molecular Medicine, Mass General Brigham Personalized Medicine
Classification: Likely benign. Last evaluated: 2011-06-07. Review status: criteria provided, single submitter. Criteria: LMM Criteria. Collection method: clinical testing. Allele origin: germline. Observed: 1 variant allele.
Comment: -382A>G (no amino acid change) in RAF1 exon 1: The -382A>G variant has not been reported in the literature or been identified in our laboratory in over 1,300 in dividuals. This variant is located in the 5'UTR and variants in regulatory regio ns could have an effect on transcriptional or translational efficiency. However, no variants in this region of RAF1 have been proven to be pathogenic to date.

NC_000003.12:g.12664168T>C

Gene: RAF1 (Raf-1 proto-oncogene, serine/threonine kinase; minus strand). Cytogenetic location: 3p25.2.
Variant type: single nucleotide variant.
Genome position: GRCh38 VCF-style: chr3-12664168-T-C. GRCh37 (hg19) VCF-style: chr3-12705667-T-C.
Other names: c.-382A>G (NM_002880.3).
Identifiers: ClinVar variation 44617 (VCV000044617.6), dbSNP rs397516812, ClinGen allele CA134686.